The following is an entry in ClinVar:

NM_013291.3(CPSF1):c.3519C>T (p.Thr1173=)

Gene: CPSF1 (cleavage and polyadenylation specific factor 1; minus strand). Cytogenetic location: 8q24.3.
Variant type: single nucleotide variant.
Coding change: c.3519C>T on transcript NM_013291.3 (MANE Select); coding-DNA position 3519, C replaced by T.
Protein change: p.Thr1173=; no amino-acid change (threonine 1173 retained).
Molecular consequence: synonymous variant.
Genome position (GRCh38, 1-based): chr8:144,394,692, G>A on the plus strand (C>T on the coding strand, the complement: CPSF1 is on the minus strand). VCF-style: chr8-144394692-G-A. GRCh37 (hg19) VCF-style: chr8-145619907-G-A.
Identifiers: ClinVar variation 3035139 (VCV003035139.3), dbSNP rs140031041, ClinGen allele CA4939533.

ClinVar aggregate classification (germline): Likely benign. Review status: criteria provided, single submitter (1 of 4 stars). 2 submissions from 2 submitters: Likely benign (1). 1 of the submissions does not count toward it. Last evaluated 2024-11-14.

Conditions:
CPSF1-related disorder. Also called: CPSF1-related condition.

Allele frequency attached by ClinVar (database versions not stated): ESP Exome Variant Server 0.00162; 1000 Genomes Project 0.00180; 1000 Genomes Project 30x 0.00187; gnomAD 0.00240; TOPMed 0.00259; ExAC 0.00281.
gnomAD v4.1: 4,487 of 1,612,498 alleles (0.28%); highest among the groups gnomAD compares: Non-Finnish European, 0.3%; 5 homozygotes.

Submissions (2):

Blueprint Genetics
Classification: Likely benign. Last evaluated: 2024-11-14. Review status: criteria provided, single submitter. Criteria: ACMG Guidelines, 2015. Collection method: clinical testing. Allele origin: germline.

PreventionGenetics, part of Exact Sciences
Classification: Likely benign for CPSF1-related condition. Last evaluated: 2023-05-31. Review status: no assertion criteria provided. Collection method: clinical testing. Allele origin: germline. Not counted in ClinVar's aggregate classification.
Comment: This variant is classified as likely benign based on ACMG/AMP sequence variant interpretation guidelines (Richards et al. 2015 PMID: 25741868, with internal and published modifications).